The following is an entry in ClinVar:

NM_006516.4(SLC2A1):c.868-2A>C

Gene: SLC2A1 (solute carrier family 2 member 1; minus strand). Cytogenetic location: 1p34.2.
Variant type: single nucleotide variant.
Coding change: c.868-2A>C on transcript NM_006516.4 (MANE Select); the canonical splice acceptor site of the intron before coding-DNA position 868, A replaced by C.
Molecular consequence: splice acceptor variant.
Genome position (GRCh38, 1-based): chr1:42,929,316, T>G on the plus strand (A>C on the coding strand, the complement: SLC2A1 is on the minus strand). VCF-style: chr1-42929316-T-G. GRCh37 (hg19) VCF-style: chr1-43394987-T-G.
Identifiers: ClinVar variation 1068428 (VCV001068428.7), dbSNP rs2124448423, ClinGen allele CA339957006.
Genomic context (GRCh38, chr1:42,929,316, plus strand): 5'-GCATACACAGGCTGCTGCACCCCCGCCTTCTCGAAGATGCTCGTGGAGTAATAGAAGACC[T>G]GCCAGACAAGAGAAACTGTTGGGGCCTACCTGGACATTGTGGCCCTTCCCTGCCTCTGTA-3'

ClinVar aggregate classification (germline): Likely pathogenic (1 of 4 stars; one submission).

Conditions:
GLUT1 deficiency syndrome 1, autosomal recessive. Identifiers: MedGen C3149117.

Submission:

Labcorp Genetics (formerly Invitae), Labcorp
Classification: Likely pathogenic for GLUT1 deficiency syndrome 1, autosomal recessive. Last evaluated: 2020-05-26. Review status: criteria provided, single submitter. Criteria: Invitae Variant Classification Sherloc (09022015). Collection method: clinical testing. Allele origin: germline.
Comment: This sequence change affects an acceptor splice site in intron 6 of the SLC2A1 gene. It is expected to disrupt RNA splicing and likely results in an absent or disrupted protein product. This variant is not present in population databases (ExAC no frequency). This variant has not been reported in the literature in individuals with SLC2A1-related conditions. Algorithms developed to predict the effect of sequence changes on RNA splicing suggest that this variant may disrupt the consensus splice site, but this prediction has not been confirmed by published transcriptional studies. Donor and acceptor splice site variants typically lead to a loss of protein function (PMID: 16199547), and loss-of-function variants in SLC2A1 are known to be pathogenic (PMID: 21832227, 26193382). In summary, the currently available evidence indicates that the variant is pathogenic, but additional data are needed to prove that conclusively. Therefore, this variant has been classified as Likely Pathogenic.

Literature cited by the submitters: PubMed 16199547; PubMed 21832227; PubMed 26193382.